The following is an entry in ClinVar:

ClinVar aggregate classification (germline): Uncertain significance. Review status: criteria provided, multiple submitters, no conflicts (2 of 4 stars). 3 submissions from 3 submitters: Uncertain significance (2). 1 of the submissions does not count toward it. Last evaluated 2026-01-27.

Conditions:
Hypercholesterolemia, familial, 1. Also called: LDL RECEPTOR DISORDER; Hyperlipoproteinemia Type IIa; HYPER-LOW-DENSITY-LIPOPROTEINEMIA; HYPERCHOLESTEROLEMIC XANTHOMATOSIS, FAMILIAL; Fredrickson type IIa hyperlipoproteinemia; Hyperlipoproteinemia type 2. Identifiers: Orphanet 391665, MedGen C0745103, MONDO:0007750, OMIM 143890.

Allele frequency attached by ClinVar (database versions not stated): gnomAD exomes 0.00003 and below 0.00001; ESP Exome Variant Server 0.00008; ExAC 0.00001; gnomAD 0.00001; TOPMed 0.00001.
gnomAD v4.1: 23 of 1,613,882 alleles (0.0014%); highest among the groups gnomAD compares: Non-Finnish European, 0.0019%; no homozygotes.

Submissions (3):

GeneDx
Classification: Uncertain significance. Last evaluated: 2026-01-27. Review status: criteria provided, single submitter. Criteria: GeneDx Variant Classification Process June 2021. Collection method: clinical testing. Allele origin: germline.
Comment: Reported in a patient with isolated hypercholesterolemia in published literature; however, no further clinical or segregation information was provided (PMID: 33303402); Not observed at significant frequency in large population cohorts (gnomAD); In silico analysis supports that this missense variant has a deleterious effect on protein structure/function; This variant is associated with the following publications: (PMID: 33303402)

Robarts Research Institute, Western University
Classification: Uncertain significance for Hypercholesterolemia, familial, 1. Review status: criteria provided, single submitter. Criteria: Wang et al. (Arterioscler Thromb Vasc Biol. 2016). Collection method: clinical testing. Allele origin: germline. Inheritance: Autosomal dominant inheritance. Affected: yes. Observed: 1 variant allele.

Laboratorium voor Moleculaire Diagnostiek Experimentele Vasculaire Geneeskunde, Academisch Medisch Centrum
Classification: Benign. Review status: no assertion criteria provided. Collection method: research. Allele origin: germline. Not counted in ClinVar's aggregate classification.

NM_000384.3(APOB):c.13160A>T (p.Glu4387Val)

Gene: APOB (apolipoprotein B; minus strand). Cytogenetic location: 2p24.1.
Variant type: single nucleotide variant.
Coding change: c.13160A>T on transcript NM_000384.3 (MANE Select); coding-DNA position 13160, A replaced by T.
Protein change: p.Glu4387Val; replaces glutamic acid 4387 with valine.
Molecular consequence: missense variant.
Genome position (GRCh38, 1-based): chr2:21,002,262, T>A on the plus strand (A>T on the coding strand, the complement: APOB is on the minus strand). VCF-style: chr2-21002262-T-A. GRCh37 (hg19) VCF-style: chr2-21225134-T-A.
Other names: short protein forms E4387V.
Identifiers: ClinVar variation 369883 (VCV000369883.2), dbSNP rs150412734, ClinGen allele CA052024.